The following is an entry in ClinVar:

NM_003565.4(ULK1):c.1722C>G (p.Pro574=)

Gene: ULK1 (unc-51 like autophagy activating kinase 1; plus strand). Cytogenetic location: 12q24.33.
Variant type: single nucleotide variant.
Coding change: c.1722C>G on transcript NM_003565.4 (MANE Select); coding-DNA position 1722, C replaced by G.
Protein change: p.Pro574=; no amino-acid change (proline 574 retained).
Molecular consequence: synonymous variant.
Genome position (GRCh38, 1-based): chr12:131,916,003, C>G. VCF-style: chr12-131916003-C-G. GRCh37 (hg19) VCF-style: chr12-132400548-C-G.
Identifiers: ClinVar variation 725998 (VCV000725998.28), dbSNP rs142265536, ClinGen allele CA6883112.

ClinVar aggregate classification (germline): Benign/Likely benign. Review status: criteria provided, multiple submitters, no conflicts (2 of 4 stars). 3 submissions from 3 submitters: Benign (2); Likely benign (1). Last evaluated 2022-10-01.

Allele frequency attached by ClinVar (database versions not stated): 1000 Genomes Project 30x 0.00094; 1000 Genomes Project 0.00100; TOPMed 0.00166; ESP Exome Variant Server 0.00231.
gnomAD v4.1: 3,655 of 1,612,400 alleles (0.23%); highest among the groups gnomAD compares: Non-Finnish European, 0.27%; 7 homozygotes.

Submissions (3):

CeGaT Center for Human Genetics Tuebingen
Classification: Likely benign. Last evaluated: 2022-10-01. Review status: criteria provided, single submitter. Criteria: CeGaT Center For Human Genetics Tuebingen Variant Classification Criteria Version 2. Collection method: clinical testing. Allele origin: germline. Affected: yes. Observed: 1 variant allele.
Comment: ULK1: BP4, BP7

Labcorp Genetics (formerly Invitae), Labcorp
Classification: Benign. Last evaluated: 2018-07-11. Review status: criteria provided, single submitter. Criteria: Invitae Variant Classification Sherloc (09022015). Collection method: clinical testing. Allele origin: germline.

Breakthrough Genomics
Classification: Benign. Review status: criteria provided, single submitter. Criteria: ACMG Guidelines, 2015. Collection method: not provided. Allele origin: germline. Inheritance: Unknown mechanism. Affected: yes.